The following is an entry in ClinVar:

NM_002661.5(PLCG2):c.1040G>A (p.Arg347His)

Gene: PLCG2 (phospholipase C gamma 2; plus strand). Cytogenetic location: 16q23.3.
Variant type: single nucleotide variant.
Coding change: c.1040G>A on transcript NM_002661.5 (MANE Select); coding-DNA position 1040, G replaced by A.
Protein change: p.Arg347His; replaces arginine 347 with histidine.
Molecular consequence: missense variant.
Genome position (GRCh38, 1-based): chr16:81,893,762, G>A. VCF-style: chr16-81893762-G-A. GRCh37 (hg19) VCF-style: chr16-81927367-G-A.
Other names: short protein forms R347H.
Identifiers: ClinVar variation 1969554 (VCV001969554.5), dbSNP rs781016626, ClinGen allele CA8193557.

ClinVar aggregate classification (germline): Uncertain significance (1 of 4 stars; one submission).

Conditions:
Familial cold autoinflammatory syndrome 3 (FCAS3). Also called: ANTIBODY DEFICIENCY AND IMMUNE DYSREGULATION, PLCG2-ASSOCIATED; FAMILIAL ATYPICAL COLD URTICARIA. Identifiers: Orphanet 300359, MedGen C3280914, MONDO:0013766, OMIM 614468.

Allele frequency attached by ClinVar (database versions not stated): gnomAD exomes below 0.00001; ExAC 0.00002.
gnomAD v4.1: 1 of 1,612,122 alleles (0.000062%); highest among the groups gnomAD compares: Non-Finnish European, 0.000085%; no homozygotes.

Submission:

Labcorp Genetics (formerly Invitae), Labcorp
Classification: Uncertain significance for Familial cold autoinflammatory syndrome 3. Last evaluated: 2022-05-24. Review status: criteria provided, single submitter. Criteria: Invitae Variant Classification Sherloc (09022015). Collection method: clinical testing. Allele origin: germline.
Comment: In summary, the available evidence is currently insufficient to determine the role of this variant in disease. Therefore, it has been classified as a Variant of Uncertain Significance. Algorithms developed to predict the effect of missense changes on protein structure and function are either unavailable or do not agree on the potential impact of this missense change (SIFT: "Deleterious"; PolyPhen-2: "Possibly Damaging"; Align-GVGD: "Class C0"). This variant has not been reported in the literature in individuals affected with PLCG2-related conditions. This variant is not present in population databases (gnomAD no frequency). This sequence change replaces arginine, which is basic and polar, with histidine, which is basic and polar, at codon 347 of the PLCG2 protein (p.Arg347His).